The following is an entry in ClinVar:

ClinVar aggregate classification (germline): Uncertain significance (1 of 4 stars; one submission).

Submission:

Quest Diagnostics Nichols Institute San Juan Capistrano
Classification: Uncertain significance. Last evaluated: 2025-09-26. Review status: criteria provided, single submitter. Criteria: Quest Diagnostics criteria. Collection method: clinical testing. Allele origin: unknown.
Comment: The BRCA1 c.2552A>T (p.Glu851Val) variant has not been reported in individuals with BRCA1-related conditions in the published literature. This variant also has not been reported in large, multi-ethnic general populations (Genome Aggregation Database). Analysis of this variant using bioinformatics tools for the prediction of the effect of amino acid changes on protein structure and function yielded predictions that this variant is damaging. Based on the available information, we are unable to determine the clinical significance of this variant.

NM_007294.4(BRCA1):c.2552A>T (p.Glu851Val)

Gene: BRCA1 (BRCA1 DNA repair associated; minus strand). Cytogenetic location: 17q21.31.
Variant type: single nucleotide variant.
Coding change: c.2552A>T on transcript NM_007294.4 (MANE Select); coding-DNA position 2552, A replaced by T.
Protein change: p.Glu851Val; replaces glutamic acid 851 with valine.
Molecular consequence: missense variant. On other transcripts: intron variant (137).
Genome position (GRCh38, 1-based): chr17:43,092,979, T>A on the plus strand (A>T on the coding strand, the complement: BRCA1 is on the minus strand). VCF-style: chr17-43092979-T-A. GRCh37 (hg19) VCF-style: chr17-41244996-T-A.
Other names: c.2339A>T, p.Glu780Val (NM_001407571.1, NM_001407853.1, NM_001407894.1 and 9 more transcripts); c.2552A>T, p.Glu851Val (NM_001407581.1, NM_001407582.1, NM_001407583.1 and 30 more transcripts); c.2549A>T, p.Glu850Val (NM_001407587.1, NM_001407590.1, NM_001407591.1 and 22 more transcripts); c.2543A>T, p.Glu848Val (NM_001407646.1, NM_001407647.1); c.2429A>T, p.Glu810Val (NM_001407648.1, NM_001407664.1, NM_001407665.1 and 19 more transcripts); c.2426A>T, p.Glu809Val (NM_001407649.1, NM_001407670.1, NM_001407671.1 and 11 more transcripts); c.2474A>T, p.Glu825Val (NM_001407653.1, NM_001407654.1, NM_001407655.1 and 4 more transcripts); c.2471A>T, p.Glu824Val (NM_001407659.1, NM_001407660.1, NM_001407661.1 and 1 more transcripts); and 41 more; short protein forms E555V, E683V, E723V, E724V, E739V, E740V, E762V, E763V.
Identifiers: ClinVar variation 4533102 (VCV004533102.1).